The following is an entry in ClinVar:

ClinVar aggregate classification (germline): Uncertain significance (1 of 4 stars; one submission).

Conditions:
Hereditary cancer-predisposing syndrome. Also called: Neoplastic Syndromes, Hereditary; Tumor predisposition; Hereditary neoplastic syndrome; Hereditary Cancer Syndrome. Identifiers: Orphanet 140162, MedGen C0027672, MeSH D009386, MONDO:0015356.

Submission:

Ambry Genetics
Classification: Uncertain significance for Hereditary cancer-predisposing syndrome. Last evaluated: 2023-02-19. Review status: criteria provided, single submitter. Criteria: Ambry Variant Classification Scheme 2023. Collection method: clinical testing. Allele origin: germline.
Comment: The p.L238R variant (also known as c.713T>G), located in coding exon 7 of the TSC2 gene, results from a T to G substitution at nucleotide position 713. The leucine at codon 238 is replaced by arginine, an amino acid with dissimilar properties. This amino acid position is conserved. In addition, the in silico prediction for this alteration is inconclusive. Since supporting evidence is limited at this time, the clinical significance of this alteration remains unclear.

NM_000548.5(TSC2):c.713T>G (p.Leu238Arg)

Gene: TSC2 (TSC complex subunit 2; plus strand). Cytogenetic location: 16p13.3.
Variant type: single nucleotide variant.
Coding change: c.713T>G on transcript NM_000548.5 (MANE Select); coding-DNA position 713, T replaced by G.
Protein change: p.Leu238Arg; replaces leucine 238 with arginine.
Molecular consequence: missense variant. On other transcripts: 5 prime UTR variant (10), non-coding transcript variant (5).
Genome position (GRCh38, 1-based): chr16:2,056,708, T>G. VCF-style: chr16-2056708-T-G. GRCh37 (hg19) VCF-style: chr16-2106709-T-G.
Other names: c.713T>G, p.Leu238Arg (NM_001077183.3, NM_001114382.3, NM_001363528.2 and 6 more transcripts); c.602T>G, p.Leu201Arg (NM_001318827.2, NM_001406670.1, NM_001406678.1); c.566T>G, p.Leu189Arg (NM_001318829.2, NM_001406675.1, NM_001406676.1 and 1 more transcripts); c.113T>G, p.Leu38Arg (NM_001318831.2, NM_001406680.1, NM_001406682.1 and 6 more transcripts); c.746T>G, p.Leu249Arg (NM_001318832.2); c.803T>G, p.Leu268Arg (NM_001406667.1, NM_001406668.1); c.701T>G, p.Leu234Arg (NM_001406671.1, NM_001406673.1); c.656T>G, p.Leu219Arg (NM_001406677.1); and 4 more; short protein forms L268R, L38R, L84R, L234R, L189R, L201R, L249R, L219R.
Identifiers: ClinVar variation 2449997 (VCV002449997.2), dbSNP rs768623382, ClinGen allele CA394312715.